The following is an entry in ClinVar:

ClinVar aggregate classification (germline): Uncertain significance (1 of 4 stars; one submission).

Conditions:
Hyperekplexia 3 (HKPX3). Also called: HYPEREKPLEXIA 3, AUTOSOMAL RECESSIVE; HYPEREKPLEXIA 3, AUTOSOMAL DOMINANT. Identifiers: Orphanet 3197, MedGen C3553288, MONDO:0013827, OMIM 614618.

Submission:

Labcorp Genetics (formerly Invitae), Labcorp
Classification: Uncertain significance for Hyperekplexia 3. Last evaluated: 2022-02-04. Review status: criteria provided, single submitter. Criteria: Invitae Variant Classification Sherloc (09022015). Collection method: clinical testing. Allele origin: germline.
Comment: This variant has not been reported in the literature in individuals affected with SLC6A5-related conditions. Advanced modeling of protein sequence and biophysical properties (such as structural, functional, and spatial information, amino acid conservation, physicochemical variation, residue mobility, and thermodynamic stability) performed at Invitae indicates that this missense variant is not expected to disrupt SLC6A5 protein function. In summary, the available evidence is currently insufficient to determine the role of this variant in disease. Therefore, it has been classified as a Variant of Uncertain Significance. This variant is not present in population databases (gnomAD no frequency). This sequence change replaces asparagine, which is neutral and polar, with aspartic acid, which is acidic and polar, at codon 133 of the SLC6A5 protein (p.Asn133Asp).

NM_004211.5(SLC6A5):c.397A>G (p.Asn133Asp)

Gene: SLC6A5 (solute carrier family 6 member 5; plus strand). Cytogenetic location: 11p15.1.
Variant type: single nucleotide variant.
Coding change: c.397A>G on transcript NM_004211.5 (MANE Select); coding-DNA position 397, A replaced by G.
Protein change: p.Asn133Asp; replaces asparagine 133 with aspartic acid.
Molecular consequence: missense variant. On other transcripts: 5 prime UTR variant (1).
Genome position (GRCh38, 1-based): chr11:20,601,522, A>G. VCF-style: chr11-20601522-A-G. GRCh37 (hg19) VCF-style: chr11-20623068-A-G.
Other names: c.-167A>G (NM_001318369.2); short protein forms N133D.
Identifiers: ClinVar variation 1499168 (VCV001499168.8), dbSNP rs2133768399, ClinGen allele CA379912116.